The following is an entry in ClinVar:

NM_000018.4(ACADVL):c.1154G>A (p.Arg385Gln)

Gene: ACADVL (acyl-CoA dehydrogenase very long chain; plus strand). Cytogenetic location: 17p13.1.
Variant type: single nucleotide variant.
Coding change: c.1154G>A on transcript NM_000018.4 (MANE Select); coding-DNA position 1154, G replaced by A.
Protein change: p.Arg385Gln; replaces arginine 385 with glutamine.
Molecular consequence: missense variant.
Genome position (GRCh38, 1-based): chr17:7,223,209, G>A. VCF-style: chr17-7223209-G-A. GRCh37 (hg19) VCF-style: chr17-7126528-G-A.
Other names: c.1088G>A, p.Arg363Gln (NM_001033859.3); c.1223G>A, p.Arg408Gln (NM_001270447.2); c.926G>A, p.Arg309Gln (NM_001270448.2); short protein forms R363Q, R408Q, R309Q, R385Q.
Identifiers: ClinVar variation 841542 (VCV000841542.12), dbSNP rs772014118, ClinGen allele CA8337977.

ClinVar aggregate classification (germline): Conflicting classifications of pathogenicity. Review status: criteria provided, conflicting classifications (1 of 4 stars). 4 submissions from 4 submitters: Likely pathogenic (1); Uncertain significance (1). 2 of the submissions do not count toward it. Last evaluated 2023-12-01.

Conditions:
ACADVL-related disorder. Also called: ACADVL-related condition.
Very long chain acyl-CoA dehydrogenase deficiency (ACADVLD). Also called: VLCAD Deficiency; Very Long-Chain Acyl-Coenzyme A Dehydrogenase Deficiency. Identifiers: Orphanet 26793, MedGen C3887523, MONDO:0008723, OMIM 201475.

Allele frequency attached by ClinVar (database versions not stated): ExAC 0.00001; gnomAD exomes 0.00001; gnomAD 0.00002 and 0.00003; TOPMed 0.00002.
gnomAD v4.1: 30 of 1,613,874 alleles (0.0019%); highest among the groups gnomAD compares: East Asian, 0.0045%; no homozygotes.

Submissions (4):

Labcorp Genetics (formerly Invitae), Labcorp
Classification: Likely pathogenic for Very long chain acyl-CoA dehydrogenase deficiency. Last evaluated: 2023-12-01. Review status: criteria provided, single submitter. Criteria: Invitae Variant Classification Sherloc (09022015). Collection method: clinical testing. Allele origin: germline.
Comment: This sequence change replaces arginine, which is basic and polar, with glutamine, which is neutral and polar, at codon 385 of the ACADVL protein (p.Arg385Gln). This variant is present in population databases (rs772014118, gnomAD 0.006%). This variant has not been reported in the literature in individuals affected with ACADVL-related conditions. ClinVar contains an entry for this variant (Variation ID: 841542). Advanced modeling of protein sequence and biophysical properties (such as structural, functional, and spatial information, amino acid conservation, physicochemical variation, residue mobility, and thermodynamic stability) performed at Invitae indicates that this missense variant is expected to disrupt ACADVL protein function with a positive predictive value of 95%. This variant disrupts the p.Arg385 amino acid residue in ACADVL. Other variant(s) that disrupt this residue have been determined to be pathogenic (PMID: 15210884, 23798014, 25655073, 28755359, 32655480). This suggests that this residue is clinically significant, and that variants that disrupt this residue are likely to be disease-causing. In summary, the currently available evidence indicates that the variant is pathogenic, but additional data are needed to prove that conclusively. Therefore, this variant has been classified as Likely Pathogenic.

Wong Mito Lab, Molecular and Human Genetics, Baylor College of Medicine
Classification: Uncertain significance for Very long chain acyl-CoA dehydrogenase deficiency. Last evaluated: 2019-11-01. Review status: criteria provided, single submitter. Criteria: ACMG Guidelines, 2015. Collection method: clinical testing. Allele origin: germline.
Comment: The NM_000018.3:c.1154G>A (NP_000009.1:p.Arg385Gln) [GRCH38: NC_000017.11:g.7223209G>A] variant in ACADVL gene is interpretated to be Uncertain Significance based on ACMG guidelines (PMID: 25741868). This variant has been reported. This variant dose not meet any evidence codes reported in the ACMG guidelines.

PreventionGenetics, part of Exact Sciences
Classification: Uncertain significance for ACADVL-related condition. Last evaluated: 2023-11-17. Review status: no assertion criteria provided. Collection method: clinical testing. Allele origin: germline. Not counted in ClinVar's aggregate classification.
Comment: The ACADVL c.1154G>A variant is predicted to result in the amino acid substitution p.Arg385Gln. To our knowledge, this variant has not been reported in the literature. This variant is reported in 0.0054% of alleles in individuals of East Asian descent in gnomAD. A different missense change affecting this residue has been reported in patients with biochemical and clinical features consistent with VLCAD deficiency (p.Arg385Trp; Musumeci et al. 2020. PubMed ID: 32655480, Boneh et al. 2006. PubMed ID: 16488171, Ohashi et al. 2004. PubMed ID: 15210884). Although we suspect that this variant may be pathogenic, at this time, the clinical significance of this variant is uncertain due to the absence of conclusive functional and genetic evidence.

Natera, Inc.
Classification: Uncertain significance for Very long chain acyl-CoA dehydrogenase deficiency. Last evaluated: 2020-07-02. Review status: no assertion criteria provided. Collection method: clinical testing. Allele origin: germline. Not counted in ClinVar's aggregate classification.

Literature cited by the submitters: PubMed 15210884 (cited by Labcorp Genetics (formerly Invitae), Labcorp); PubMed 23798014 (cited by Labcorp Genetics (formerly Invitae), Labcorp); PubMed 25655073 (cited by Labcorp Genetics (formerly Invitae), Labcorp); PubMed 28755359 (cited by Labcorp Genetics (formerly Invitae), Labcorp); PubMed 32655480 (cited by Labcorp Genetics (formerly Invitae), Labcorp).